The following is an entry in ClinVar:

ClinVar aggregate classification (germline): Uncertain significance. Review status: criteria provided, multiple submitters, no conflicts (2 of 4 stars). 2 submissions from 2 submitters: Uncertain significance (2). Last evaluated 2025-08-27.

Conditions:
Familial adenomatous polyposis 2. Also called: COLORECTAL ADENOMATOUS POLYPOSIS, AUTOSOMAL RECESSIVE; ADENOMAS, MULTIPLE COLORECTAL, AUTOSOMAL RECESSIVE; MYH-associated polyposis; MUTYH-associated polyposis; MUTYH-related attenuated familial adenomatous polyposis; MUTYH Polyposis. Identifiers: Orphanet 220460, Orphanet 247798, MedGen C3272841, MONDO:0012041, OMIM 608456.
Hereditary cancer-predisposing syndrome. Also called: Tumor predisposition; Hereditary Cancer Syndrome; Hereditary neoplastic syndrome; Neoplastic Syndromes, Hereditary. Identifiers: Orphanet 140162, MedGen C0027672, MeSH D009386, MONDO:0015356.

Submissions (2):

Ambry Genetics
Classification: Uncertain significance for Hereditary cancer-predisposing syndrome. Last evaluated: 2025-08-27. Review status: criteria provided, single submitter. Criteria: Ambry Variant Classification Scheme 2023. Collection method: clinical testing. Allele origin: germline.
Comment: The p.P411H variant (also known as c.1232C>A), located in coding exon 13 of the MUTYH gene, results from a C to A substitution at nucleotide position 1232. The proline at codon 411 is replaced by histidine, an amino acid with similar properties. This amino acid position is conserved. In addition, this alteration is predicted to be tolerated by in silico analysis. Based on the available evidence, the clinical significance of this variant remains unclear.

All of Us Research Program, National Institutes of Health
Classification: Uncertain significance for Familial adenomatous polyposis 2. Last evaluated: 2023-11-20. Review status: criteria provided, single submitter. Criteria: ACMG Guidelines, 2015. Collection method: clinical testing. Allele origin: germline. Inheritance: Autosomal recessive inheritance. Observed: 1 variant allele, 1 heterozygote.
Comment: This missense variant replaces proline with histidine at codon 411 of the MUTYH protein. Computational prediction suggests that this variant may not impact protein structure and function (internally defined REVEL score threshold <= 0.5, PMID: 27666373). To our knowledge, functional studies have not been reported for this variant. This variant has not been reported in individuals affected with MUTYH-related disorders in the literature. This variant has not been identified in the general population by the Genome Aggregation Database (gnomAD). The available evidence is insufficient to determine the role of this variant in disease conclusively. Therefore, this variant is classified as a Variant of Uncertain Significance.

This study involves interpretation of variants in research participants for the purpose of population health screening. Participant phenotype was not available at the time of variant classification. Additional details can be found in publication PMID: 35346344, PMCID: PMC8962531

NM_001048174.2(MUTYH):c.1148C>A (p.Pro383His)

Gene: MUTYH (mutY DNA glycosylase; minus strand). Cytogenetic location: 1p34.1.
Variant type: single nucleotide variant.
Coding change: c.1148C>A on transcript NM_001048174.2 (MANE Select); coding-DNA position 1148, C replaced by A.
Protein change: p.Pro383His; replaces proline 383 with histidine.
Molecular consequence: missense variant. On other transcripts: non-coding transcript variant (7).
Genome position (GRCh38, 1-based): chr1:45,331,511, G>T on the plus strand (C>A on the coding strand, the complement: MUTYH is on the minus strand). VCF-style: chr1-45331511-G-T. GRCh37 (hg19) VCF-style: chr1-45797183-G-T.
Other names: c.1148C>A, p.Pro383His (NM_001048171.2, NM_001048173.2, NM_001293195.2 and 6 more transcripts); c.1151C>A, p.Pro384His (NM_001048172.2, NM_001407078.1, NM_001407086.1 and 1 more transcripts); c.1232C>A, p.Pro411His (NM_001128425.2); c.1193C>A, p.Pro398His (NM_001293190.2); c.1181C>A, p.Pro394His (NM_001293191.2, NM_001407069.1, NM_001407077.1); c.872C>A, p.Pro291His (NM_001293192.2, NM_001407091.1, NM_001293196.2); c.1109C>A, p.Pro370His (NM_001407079.1); c.1106C>A, p.Pro369His (NM_001407080.1); and 5 more; short protein forms P268H, P291H, P355H, P369H, P370H, P383H, P384H, P390H.
Identifiers: ClinVar variation 3074476 (VCV003074476.2), dbSNP rs2149120637, ClinGen allele CA340133014.
Genomic context (GRCh38, chr1:45,331,511, plus strand): 5'-AGGGGCCCAGCCCAACGCTGTAGTTCCTGCAGCAGGGCCTTGCGCTGAAGCTGCTCTGAG[G>T]GCTCCCAGGTCACGGACGGGAACTCCCACAGTCCTGCCAGCAGACCTGAGAGGGAGGGCA-3'
Protein context (NP_001041639.1, residues 373-393): LWEFPSVTWE[Pro383His]SEQLQRKALL